The following is an entry in ClinVar:

ClinVar aggregate classification (germline): Pathogenic (1 of 4 stars; one submission).

Allele frequency attached by ClinVar (database versions not stated): ExAC 0.00001; gnomAD 0.00001; gnomAD exomes 0.00001; 1000 Genomes Project 30x 0.00031.

Submission:

Labcorp Genetics (formerly Invitae), Labcorp
Classification: Pathogenic. Last evaluated: 2024-05-31. Review status: criteria provided, single submitter. Criteria: Invitae Variant Classification Sherloc (09022015). Collection method: clinical testing. Allele origin: germline.
Comment: This sequence change creates a premature translational stop signal (p.Glu59Serfs*8) in the IFT81 gene. It is expected to result in an absent or disrupted protein product. Loss-of-function variants in IFT81 are known to be pathogenic (PMID: 26275418, 27666822). This variant is present in population databases (rs768016015, gnomAD 0.002%). This variant has not been reported in the literature in individuals affected with IFT81-related conditions. For these reasons, this variant has been classified as Pathogenic.

Literature cited by the submitters: PubMed 26275418; PubMed 27666822.

NM_014055.4(IFT81):c.174del (p.Glu59fs)

Gene: IFT81 (intraflagellar transport 81; plus strand). Cytogenetic location: 12q24.11.
Variant type: Deletion.
Coding change: c.174del on transcript NM_014055.4 (MANE Select); coding-DNA position 174, one base deleted (A; older notation c.174delA).
Protein change: p.Glu59fs; shifts the reading frame from glutamic acid 59.
Molecular consequence: frameshift variant. On other transcripts: 5 prime UTR variant (2), non-coding transcript variant (4).
Genome position (GRCh38, 1-based): chr12:110,128,075, A deleted. VCF-style (leftmost placement, unchanged base first): chr12-110128074-CA-C. GRCh37 (hg19) VCF-style: chr12-110565879-CA-C.
Other names: c.174del, p.Glu59fs (NM_001143779.2, NM_001347946.2, NM_031473.4); c.-593del (NM_001347947.2, NM_001347948.2); short protein forms E59fs.
Identifiers: ClinVar variation 2981085 (VCV002981085.3), dbSNP rs768016015, ClinGen allele CA6783013.